The following is an entry in ClinVar:

ClinVar aggregate classification (germline): Uncertain significance (1 of 4 stars; one submission).

Conditions:
KMT2D-related disorder. Also called: KMT2D-Related Disorders.

Submission:

PreventionGenetics, part of Exact Sciences
Classification: Uncertain significance for KMT2D-related condition. Last evaluated: 2026-04-09. Review status: criteria provided, single submitter. Criteria: ACMG Guidelines, 2015. Collection method: clinical testing. Allele origin: germline.
Comment: The KMT2D c.15738C>G variant is predicted to result in the amino acid substitution p.Ile5246Met. To our knowledge, this variant has not been reported in the literature or in a large population database (gnomAD), indicating this variant is rare. At this time, the clinical significance of this variant is uncertain due to the absence of conclusive functional and genetic evidence.

NM_003482.4(KMT2D):c.15738C>G (p.Ile5246Met)

Gene: KMT2D (lysine methyltransferase 2D; minus strand). Cytogenetic location: 12q13.12.
Variant type: single nucleotide variant.
Coding change: c.15738C>G on transcript NM_003482.4 (MANE Select); coding-DNA position 15738, C replaced by G.
Protein change: p.Ile5246Met; replaces isoleucine 5246 with methionine.
Molecular consequence: missense variant.
Genome position (GRCh38, 1-based): chr12:49,026,228, G>C on the plus strand (C>G on the coding strand, the complement: KMT2D is on the minus strand). VCF-style: chr12-49026228-G-C. GRCh37 (hg19) VCF-style: chr12-49420011-G-C.
Other names: short protein forms I5246M.
Identifiers: ClinVar variation 4977362 (VCV004977362.1).